The following is an entry in ClinVar:

ClinVar aggregate classification (germline): Benign. Review status: criteria provided, multiple submitters, no conflicts (2 of 4 stars). 3 submissions from 2 submitters: Benign (3). Last evaluated 2018-01-13.

Conditions:
Hypothyroidism due to TSH receptor mutations. Also called: HYPOTHYROIDISM DUE TO UNRESPONSIVENESS TO THYROTROPIN; HYPOTHYROIDISM, CONGENITAL, DUE TO TSH RESISTANCE; HYPOTHYROIDISM, NONAUTOIMMUNE; THYROID-STIMULATING HORMONE, RESISTANCE TO; TSH RESISTANCE; Hypothyroidism, congenital, nongoitrous, 1. Identifiers: Orphanet 90673, MedGen C3493776, MONDO:0010142, OMIM 275200.
Familial hyperthyroidism due to mutations in TSH receptor. Also called: HYPERTHYROIDISM, CONGENITAL NONAUTOIMMUNE; HYPERTHYROIDISM, NONAUTOIMMUNE, AUTOSOMAL DOMINANT; TOXIC THYROID HYPERPLASIA, AUTOSOMAL DOMINANT. Identifiers: Orphanet 424, MedGen C1836706, MONDO:0012203, OMIM 609152.

Allele frequency attached by ClinVar (database versions not stated): TOPMed 0.25977; gnomAD 0.26762 and 0.27103; gnomAD exomes 0.27448; 1000 Genomes Project 30x 0.28154; 1000 Genomes Project 0.28435.
gnomAD v4.1: 68,654 of 251,726 alleles (27%); highest among the groups gnomAD compares: South Asian, 34%; 9,657 homozygotes.

Submissions (3):

Illumina Laboratory Services, Illumina
Classification: Benign for Hypothyroidism due to TSH receptor mutations. Last evaluated: 2018-01-13. Review status: criteria provided, single submitter. Criteria: ICSL Variant Classification Criteria 13 December 2019. Collection method: clinical testing. Allele origin: germline.
Comment: This variant was observed in the ICSL laboratory as part of a predisposition screen in an ostensibly healthy population. It had not been previously curated by ICSL or reported in the Human Gene Mutation Database (HGMD: prior to June 1st, 2018), and was therefore a candidate for classification through an automated scoring system. Utilizing variant allele frequency, disease prevalence and penetrance estimates, and inheritance mode, an automated score was calculated to assess if this variant is too frequent to cause the disease. Based on the score and internal cut-off values, a variant classified as benign is not then subjected to further curation. The score for this variant resulted in a classification of benign for this disease.

Illumina Laboratory Services, Illumina
Classification: Benign for Familial hyperthyroidism due to mutations in TSH receptor. Last evaluated: 2018-01-13. Review status: criteria provided, single submitter. Criteria: ICSL Variant Classification Criteria 13 December 2019. Collection method: clinical testing. Allele origin: germline.
Comment: the same text as in the submission from Illumina Laboratory Services, Illumina above.

Breakthrough Genomics
Classification: Benign. Review status: criteria provided, single submitter. Criteria: ACMG Guidelines, 2015. Collection method: not provided. Allele origin: germline. Inheritance: Autosomal recessive inheritance. Affected: yes.

NM_000369.5(TSHR):c.*431T>C

Genes: TSHR-AS1 (TSHR antisense RNA 1; minus strand), TSHR (thyroid stimulating hormone receptor; plus strand). Cytogenetic location: 14q31.1.
Variant type: single nucleotide variant.
Coding change: c.*431T>C on transcript NM_000369.5 (MANE Select); 431 bases downstream of the stop codon, T replaced by C.
Molecular consequence: 3 prime UTR variant.
Genome position (GRCh38, 1-based): chr14:81,144,784, T>C. VCF-style: chr14-81144784-T-C. GRCh37 (hg19) VCF-style: chr14-81611128-T-C.
Identifiers: ClinVar variation 314708 (VCV000314708.6), dbSNP rs17630128, ClinGen allele CA10646443.
Genomic context (GRCh38, chr14:81,144,784, plus strand): 5'-TCAGCAAATGGAAAATGCTATTAATTTGGTTGGTGACCACAAGATAAAATCAGTCCCACG[T>C]TGGCTCAGTTCAACTAGATGTTCCCTGATACAAAGAGAACTTGATTTCCTTAAAACTGAA-3'